The following is an entry in ClinVar:

ClinVar aggregate classification (germline): Uncertain significance (1 of 4 stars; one submission).

Conditions:
USP53-related disorder. Also called: USP53-related condition.

gnomAD v4.1: 1 of 1,613,980 alleles (0.000062%); highest among the groups gnomAD compares: Non-Finnish European, 0.000085%; no homozygotes.

Submission:

PreventionGenetics, part of Exact Sciences
Classification: Uncertain significance for USP53-related condition. Last evaluated: 2026-07-20. Review status: criteria provided, single submitter. Criteria: ACMG Guidelines, 2015. Collection method: clinical testing. Allele origin: germline.
Comment: The USP53 c.2536G>A variant is predicted to result in the amino acid substitution p.Asp846Asn. To our knowledge, this variant has not been reported in the literature. This variant is reported in 0.00088% of alleles in individuals of European (Non-Finnish) descent in gnomAD. At this time, the clinical significance of this variant is uncertain due to the absence of conclusive functional and genetic evidence.

NM_001371395.1(USP53):c.2536G>A (p.Asp846Asn)

Gene: USP53 (ubiquitin specific peptidase 53; plus strand). Cytogenetic location: 4q26.
Variant type: single nucleotide variant.
Coding change: c.2536G>A on transcript NM_001371395.1 (MANE Select); coding-DNA position 2536, G replaced by A.
Protein change: p.Asp846Asn; replaces aspartic acid 846 with asparagine.
Molecular consequence: missense variant. On other transcripts: 3 prime UTR variant (4).
Genome position (GRCh38, 1-based): chr4:119,292,525, G>A. VCF-style: chr4-119292525-G-A. GRCh37 (hg19) VCF-style: chr4-120213680-G-A.
Other names: c.2383G>A, p.Asp795Asn (NM_001371396.1, NM_001389661.1); c.*36G>A (NM_001371397.1, NM_001371398.1, NM_001389666.1 and 1 more transcripts); c.2536G>A, p.Asp846Asn (NM_001371399.1, NM_001389658.1, NM_001389659.1 and 1 more transcripts); c.2386G>A, p.Asp796Asn (NM_001389660.1); c.2188G>A, p.Asp730Asn (NM_001389662.1, NM_001389663.1, NM_001389664.1); c.2035G>A, p.Asp679Asn (NM_001389665.1); short protein forms D730N, D796N, D846N, D679N, D795N.
Identifiers: ClinVar variation 4991421 (VCV004991421.1).
Genomic context (GRCh38, chr4:119,292,525, plus strand): 5'-AAATTTTCTGAGTGGCTTAATATAGAAAATTCTGAGAGAACAGGTTTGCCTTTTCACGTT[G>A]ATAACTCTGCTTCTGGGAAGAGAGTGAACAGTAATGAACCATCTTCATTATGGTCTTCAC-3'
Protein context (NP_001358324.1, residues 836-856): SERTGLPFHV[Asp846Asn]NSASGKRVNS